The following is an entry in ClinVar:

ClinVar aggregate classification (germline): Conflicting classifications of pathogenicity. Review status: criteria provided, conflicting classifications (1 of 4 stars). 5 submissions from 5 submitters: Uncertain significance (4); Likely benign (1). Last evaluated 2026-01-27.

Conditions:
Inborn genetic diseases. Identifiers: MedGen C0950123, MeSH D030342.
Fetal akinesia deformation sequence 1 (FADS1). Also called: Fetal akinesia sequence; Pena-Shokeir syndrome type I. Identifiers: Orphanet 994, MedGen C1276035, MONDO:0100101, OMIM 208150, HP:0001989.
Congenital myasthenic syndrome 10. Also called: Myasthenia, limb-girdle, familial. Identifiers: Orphanet 590, MedGen C1850792, MONDO:0009690, OMIM 254300.

Allele frequency attached by ClinVar (database versions not stated): TOPMed 0.00016; gnomAD 0.00017 and 0.00019; ExAC 0.00021.
gnomAD v4.1: 62 of 1,558,506 alleles (0.004%); highest among the groups gnomAD compares: African/African-American, 0.036%; no homozygotes.

Submissions (5):

Labcorp Genetics (formerly Invitae), Labcorp
Classification: Likely benign for Congenital myasthenic syndrome 10; Fetal akinesia deformation sequence 1. Last evaluated: 2026-01-27. Review status: criteria provided, single submitter. Criteria: Invitae Variant Classification Sherloc (09022015). Collection method: clinical testing. Allele origin: germline.

GeneDx
Classification: Uncertain significance. Last evaluated: 2023-11-20. Review status: criteria provided, single submitter. Criteria: GeneDx Variant Classification Process June 2021. Collection method: clinical testing. Allele origin: germline. Affected: yes.
Comment: In silico analysis supports that this missense variant has a deleterious effect on protein structure/function; Has not been previously published as pathogenic or benign to our knowledge

Ambry Genetics
Classification: Uncertain significance for Inborn genetic diseases. Last evaluated: 2023-07-25. Review status: criteria provided, single submitter. Criteria: Ambry Variant Classification Scheme 2023. Collection method: clinical testing. Allele origin: germline.

Revvity Omics, Revvity
Classification: Uncertain significance. Last evaluated: 2019-03-17. Review status: criteria provided, single submitter. Criteria: ACMG Guidelines, 2015. Collection method: clinical testing. Allele origin: germline.

Eurofins Ntd Llc (ga)
Classification: Uncertain significance. Last evaluated: 2018-05-29. Review status: criteria provided, single submitter. Criteria: EGL ClinVar v180209 classification definitions. Collection method: clinical testing. Allele origin: germline. Observed: 1 variant allele, 1 heterozygote.

NM_173660.5(DOK7):c.1007C>T (p.Ser336Leu)

Gene: DOK7 (docking protein 7; plus strand). Cytogenetic location: 4p16.3.
Variant type: single nucleotide variant.
Coding change: c.1007C>T on transcript NM_173660.5 (MANE Select); coding-DNA position 1007, C replaced by T.
Protein change: p.Ser336Leu; replaces serine 336 with leucine.
Molecular consequence: missense variant. On other transcripts: 3 prime UTR variant (1).
Genome position (GRCh38, 1-based): chr4:3,492,993, C>T. VCF-style: chr4-3492993-C-T. GRCh37 (hg19) VCF-style: chr4-3494720-C-T.
Other names: c.*228C>T (NM_001164673.2); c.77C>T, p.Ser26Leu (NM_001256896.2); c.1007C>T, p.Ser336Leu (NM_001301071.2); c.575C>T, p.Ser192Leu (NM_001363811.2); short protein forms S336L, S26L, S192L.
Identifiers: ClinVar variation 534122 (VCV000534122.16), dbSNP rs377757018, ClinGen allele CA2829324.